The following is an entry in ClinVar:

NM_015166.4(MLC1):c.628G>A (p.Val210Ile)

Gene: MLC1 (modulator of VRAC current 1; minus strand). Cytogenetic location: 22q13.33.
Variant type: single nucleotide variant.
Coding change: c.628G>A on transcript NM_015166.4 (MANE Select); coding-DNA position 628, G replaced by A.
Protein change: p.Val210Ile; replaces valine 210 with isoleucine.
Molecular consequence: missense variant. On other transcripts: non-coding transcript variant (3).
Genome position (GRCh38, 1-based): chr22:50,074,302, C>T on the plus strand (G>A on the coding strand, the complement: MLC1 is on the minus strand). VCF-style: chr22-50074302-C-T. GRCh37 (hg19) VCF-style: chr22-50512731-C-T.
Other names: c.628G>A, p.Val210Ile (NM_001376472.1, NM_001376473.1, NM_001376474.1 and 6 more transcripts); c.538G>A, p.Val180Ile (NM_001376480.1); c.526G>A, p.Val176Ile (NM_001376481.1); c.472G>A, p.Val158Ile (NM_001376482.1, NM_001376483.1); c.391G>A, p.Val131Ile (NM_001376484.1); short protein forms V210I, V131I, V158I, V176I, V180I.
Identifiers: ClinVar variation 550928 (VCV000550928.27), dbSNP rs11568178, ClinGen allele CA10303433.
Genomic context (GRCh38, chr22:50,074,302, plus strand): 5'-CTGAGAGGTGTGGGCCTGAAACTGAGTCATCCACGTTCAGGGCAATGATCCCCCCGAGGA[C>T]GGCAGAGATGCCTGCGATTACCTCGACGACCTGGAGGGGACAGGACAGCATCGGCTCATA-3'
Protein context (NP_055981.1, residues 200-220): VVEVIAGISA[Val210Ile]LGGIIALNVD

ClinVar aggregate classification (germline): Conflicting classifications of pathogenicity. Review status: criteria provided, conflicting classifications (1 of 4 stars). 8 submissions from 8 submitters: Uncertain significance (1); Benign (1); Likely benign (3). 3 of the submissions do not count toward it. Last evaluated 2026-01-26.

Conditions:
Megalencephalic leukoencephalopathy with subcortical cysts. Also called: VAN DER KNAAP DISEASE. Identifiers: Orphanet 2478, MedGen C1858854, MONDO:0011391.
Megalencephalic leukoencephalopathy with subcortical cysts 1 (MLC1). Also called: VACUOLATING MEGALENCEPHALIC LEUKOENCEPHALOPATHY WITH SUBCORTICAL CYSTS; LEUKOENCEPHALOPATHY WITH SWELLING AND CYSTS. Identifiers: Orphanet 2478, MedGen C5779875, MONDO:0024555, OMIM 604004.
MLC1-related disorder. Also called: MLC1-related condition.

Allele frequency attached by ClinVar (database versions not stated): TOPMed 0.00010; ESP Exome Variant Server 0.00015; gnomAD exomes 0.00064 and 0.00110; ExAC 0.00131; 1000 Genomes Project 30x 0.00141; 1000 Genomes Project 0.00160.
gnomAD v4.1: 989 of 1,614,100 alleles (0.061%); highest among the groups gnomAD compares: South Asian, 1%; 15 homozygotes.

Submissions (8):

Labcorp Genetics (formerly Invitae), Labcorp
Classification: Benign. Last evaluated: 2026-01-26. Review status: criteria provided, single submitter. Criteria: Invitae Variant Classification Sherloc (09022015). Collection method: clinical testing. Allele origin: germline.

Blueprint Genetics
Classification: Likely benign. Last evaluated: 2024-11-11. Review status: criteria provided, single submitter. Criteria: ACMG Guidelines, 2015. Collection method: clinical testing. Allele origin: germline.

Genome-Nilou Lab
Classification: Likely benign for Megalencephalic leukoencephalopathy with subcortical cysts 1. Last evaluated: 2021-05-18. Review status: criteria provided, single submitter. Criteria: ACMG Guidelines, 2015. Collection method: clinical testing. Allele origin: germline. Affected: no.

Eurofins Ntd Llc (ga)
Classification: Likely benign. Last evaluated: 2017-11-09. Review status: criteria provided, single submitter. Criteria: EGL Classification Definitions 2015. Collection method: clinical testing. Allele origin: germline. Observed: 1 variant allele, 1 heterozygote.

Illumina Laboratory Services, Illumina
Classification: Uncertain significance for Megalencephalic leukoencephalopathy with subcortical cysts 1. Last evaluated: 2017-04-27. Review status: criteria provided, single submitter. Criteria: ICSL Variant Classification Criteria 13 December 2019. Collection method: clinical testing. Allele origin: germline.
Comment: This variant was observed as part of a predisposition screen in an ostensibly healthy population. A literature search was performed for the gene, cDNA change, and amino acid change (where applicable). Publications were found based on this search. However, the evidence from the literature, in combination with allele frequency data from public databases where available, was not sufficient to rule this variant in or out of causing disease. Therefore, this variant is classified as a variant of unknown significance.

PreventionGenetics, part of Exact Sciences
Classification: Likely benign for MLC1-related condition. Last evaluated: 2020-11-11. Review status: no assertion criteria provided. Collection method: clinical testing. Allele origin: germline. Not counted in ClinVar's aggregate classification.
Comment: This variant is classified as likely benign based on ACMG/AMP sequence variant interpretation guidelines (Richards et al. 2015 PMID: 25741868, with internal and published modifications).

Natera, Inc.
Classification: Benign for Megalencephalic leukoencephalopathy with subcortical cysts. Last evaluated: 2019-12-05. Review status: no assertion criteria provided. Collection method: clinical testing. Allele origin: germline. Not counted in ClinVar's aggregate classification.

Counsyl
Classification: Benign for Megalencephalic leukoencephalopathy with subcortical cysts 1. Last evaluated: 2017-03-01. Review status: no assertion criteria provided. Collection method: clinical testing. Allele origin: unknown. Not counted in ClinVar's aggregate classification.

Literature cited by the submitters: PubMed 15992519 (cited by Illumina Laboratory Services, Illumina and Counsyl).